The following is an entry in ClinVar:

NM_000179.3(MSH6):c.84A>T (p.Ser28=)

Gene: MSH6 (mutS homolog 6; plus strand). Cytogenetic location: 2p16.3.
Variant type: single nucleotide variant.
Coding change: c.84A>T on transcript NM_000179.3 (MANE Select); coding-DNA position 84, A replaced by T.
Protein change: p.Ser28=; no amino-acid change (serine 28 retained).
Molecular consequence: synonymous variant. On other transcripts: 5 prime UTR variant (1).
Genome position (GRCh38, 1-based): chr2:47,783,317, A>T. VCF-style: chr2-47783317-A-T. GRCh37 (hg19) VCF-style: chr2-48010456-A-T.
Other names: c.84A>T, p.Ser28= (NM_001281492.2); c.-653A>T (NM_001281493.2).
Identifiers: ClinVar variation 416153 (VCV000416153.12), dbSNP rs1060504748, ClinGen allele CA16610866.

ClinVar aggregate classification (germline): Benign/Likely benign. Review status: criteria provided, multiple submitters, no conflicts (2 of 4 stars). 4 submissions from 4 submitters: Benign (1); Likely benign (3). Last evaluated 2026-01-19.

Conditions:
Hereditary nonpolyposis colorectal neoplasms. Identifiers: MedGen C0009405, MeSH D003123.
Lynch syndrome 5 (LYNCH5). Also called: Colorectal cancer, hereditary nonpolyposis, type 5; Hereditary non-polyposis colorectal cancer, type 5. Identifiers: Orphanet 144, MedGen C1833477, MONDO:0013710, OMIM 614350. Disease mechanism: loss of function.
Hereditary cancer-predisposing syndrome. Also called: Tumor predisposition; Neoplastic Syndromes, Hereditary; Hereditary neoplastic syndrome; Hereditary Cancer Syndrome. Identifiers: Orphanet 140162, MedGen C0027672, MeSH D009386, MONDO:0015356.

Allele frequency attached by ClinVar (database versions not stated): TOPMed below 0.00001; gnomAD 0.00001.
gnomAD v4.1: 1 of 1,611,328 alleles (0.000062%); highest among the groups gnomAD compares: Non-Finnish European, 0.000085%; no homozygotes.

Submissions (4):

Labcorp Genetics (formerly Invitae), Labcorp
Classification: Likely benign for Hereditary nonpolyposis colorectal neoplasms. Last evaluated: 2026-01-19. Review status: criteria provided, single submitter. Criteria: Invitae Variant Classification Sherloc (09022015). Collection method: clinical testing. Allele origin: germline.

Myriad Genetics, Inc.
Classification: Benign for Lynch syndrome 5. Last evaluated: 2024-12-17. Review status: criteria provided, single submitter. Criteria: Myriad Autosomal Dominant, Autosomal Recessive and X-Linked Classification Criteria (2023). Collection method: clinical testing. Allele origin: unknown.
Comment: This variant is considered benign. This variant is a silent/synonymous amino acid change and it is not expected to impact splicing.

Color Diagnostics, LLC DBA Color Health
Classification: Likely benign for Hereditary cancer-predisposing syndrome. Last evaluated: 2024-08-12. Review status: criteria provided, single submitter. Criteria: ACMG Guidelines, 2015. Collection method: clinical testing. Allele origin: germline.

Ambry Genetics
Classification: Likely benign for Hereditary cancer-predisposing syndrome. Last evaluated: 2022-03-24. Review status: criteria provided, single submitter. Criteria: Ambry Variant Classification Scheme 2023. Collection method: clinical testing. Allele origin: germline.